The following is an entry in ClinVar:

ClinVar aggregate classification (germline): Uncertain significance. Review status: criteria provided, multiple submitters, no conflicts (2 of 4 stars). 2 submissions from 2 submitters: Uncertain significance (2). Last evaluated 2026-09-14.

Conditions:
Inborn genetic diseases. Identifiers: MedGen C0950123, MeSH D030342.
Generalized epilepsy with febrile seizures plus, type 7 (GEFSP7). Also called: GEFS+, TYPE 7. Identifiers: Orphanet 36387, MedGen C2751778, MONDO:0013470, OMIM 613863.
Neuropathy, hereditary sensory and autonomic, type 2A (HSAN2A). Also called: ACROOSTEOLYSIS, GIACCAI TYPE; ACROOSTEOLYSIS, NEUROGENIC; MORVAN DISEASE; NEUROPATHY, CONGENITAL SENSORY; NEUROPATHY, HEREDITARY SENSORY RADICULAR, AUTOSOMAL RECESSIVE; NEUROPATHY, HEREDITARY SENSORY, TYPE IIA. Identifiers: Orphanet 970, MedGen C2752089, MONDO:0024309, OMIM 201300.

gnomAD v4.1: 3 of 1,613,490 alleles (0.00019%); highest among the groups gnomAD compares: Non-Finnish European, 0.00025%; no homozygotes.

Submissions (2):

Ambry Genetics
Classification: Uncertain significance for Inborn genetic diseases. Last evaluated: 2026-09-14. Review status: criteria provided, single submitter. Criteria: Ambry Variant Classification Scheme 2023. Collection method: clinical testing. Allele origin: germline.

Labcorp Genetics (formerly Invitae), Labcorp
Classification: Uncertain significance for Neuropathy, hereditary sensory and autonomic, type 2A; Generalized epilepsy with febrile seizures plus, type 7. Last evaluated: 2026-01-21. Review status: criteria provided, single submitter. Criteria: Invitae Variant Classification Sherloc (09022015). Collection method: clinical testing. Allele origin: germline.
Comment: This sequence change replaces serine, which is neutral and polar, with asparagine, which is neutral and polar, at codon 1063 of the SCN9A protein (p.Ser1063Asn). This variant is not present in population databases (gnomAD no frequency). This variant has not been reported in the literature in individuals affected with SCN9A-related conditions. ClinVar contains an entry for this variant (Variation ID: 3316631). Invitae Evidence Modeling of protein sequence and biophysical properties (such as structural, functional, and spatial information, amino acid conservation, physicochemical variation, residue mobility, and thermodynamic stability) indicates that this missense variant is not expected to disrupt SCN9A protein function with a negative predictive value of 95%. In summary, the available evidence is currently insufficient to determine the role of this variant in disease. Therefore, it has been classified as a Variant of Uncertain Significance.

NM_001365536.1(SCN9A):c.3221G>A (p.Ser1074Asn)

Genes: SCN1A-AS1 (SCN1A and SCN9A antisense RNA 1; plus strand), SCN9A (sodium voltage-gated channel alpha subunit 9; minus strand). Cytogenetic location: 2q24.3.
Variant type: single nucleotide variant.
Coding change: c.3221G>A on transcript NM_001365536.1 (MANE Select); coding-DNA position 3221, G replaced by A.
Protein change: p.Ser1074Asn; replaces serine 1074 with asparagine.
Molecular consequence: missense variant.
Genome position (GRCh38, 1-based): chr2:166,272,529, C>T on the plus strand (G>A on the coding strand, the complement: SCN9A is on the minus strand). VCF-style: chr2-166272529-C-T. GRCh37 (hg19) VCF-style: chr2-167129039-C-T.
Other names: c.3188G>A, p.Ser1063Asn (NM_002977.4); short protein forms S1063N, S1074N.
Identifiers: ClinVar variation 3316631 (VCV003316631.3).